The following is an entry in ClinVar:

NM_003640.5(ELP1):c.3791A>G (p.Gln1264Arg)

Gene: ELP1 (elongator acetyltransferase complex subunit 1; minus strand). Cytogenetic location: 9q31.3.
Variant type: single nucleotide variant.
Coding change: c.3791A>G on transcript NM_003640.5 (MANE Select); coding-DNA position 3791, A replaced by G.
Protein change: p.Gln1264Arg; replaces glutamine 1264 with arginine.
Molecular consequence: missense variant.
Genome position (GRCh38, 1-based): chr9:108,878,059, T>C on the plus strand (A>G on the coding strand, the complement: ELP1 is on the minus strand). VCF-style: chr9-108878059-T-C. GRCh37 (hg19) VCF-style: chr9-111640339-T-C.
Other names: c.3449A>G, p.Gln1150Arg (NM_001318360.2); c.2744A>G, p.Gln915Arg (NM_001330749.2); c.3791A>G (LRG_251t1); short protein forms Q1264R, Q1150R, Q915R.
Identifiers: ClinVar variation 364553 (VCV000364553.6), dbSNP rs201888676, ClinGen allele CA5174185.
Genomic context (GRCh38, chr9:108,878,059, plus strand): 5'-GTAGCTGAATTCTGCTGGTAAGTAAGAGTCCAAATTTCTGGAAGTGACCTTTCCATCAAC[T>C]GCAGCGTATCTTCAAAGGCCTTCTGTAATTCCCTTCCTTGTTCATCAAACTCAAAGAGAA-3'
Protein context (NP_003631.2, residues 1254-1274): ELQKAFEDTL[Gln1264Arg]LMERSLPEIW

ClinVar aggregate classification (germline): Uncertain significance. Review status: criteria provided, multiple submitters, no conflicts (2 of 4 stars). 2 submissions from 2 submitters: Uncertain significance (2). Last evaluated 2021-09-02.

Conditions:
Familial dysautonomia. Also called: HSAN III; FD. Identifiers: Orphanet 1764, MedGen C0013364, MONDO:0009131, OMIM 223900. Disease mechanism: loss of function.

Allele frequency attached by ClinVar (database versions not stated): gnomAD exomes below 0.00001; ExAC 0.00001; TOPMed 0.00001; gnomAD 0.00002.
gnomAD v4.1: 10 of 1,613,964 alleles (0.00062%); highest among the groups gnomAD compares: South Asian, 0.0011%; no homozygotes.

Submissions (2):

Labcorp Genetics (formerly Invitae), Labcorp
Classification: Uncertain significance. Last evaluated: 2021-09-02. Review status: criteria provided, single submitter. Criteria: Invitae Variant Classification Sherloc (09022015). Collection method: clinical testing. Allele origin: germline.
Comment: This sequence change replaces glutamine with arginine at codon 1264 of the ELP1 protein (p.Gln1264Arg). The glutamine residue is moderately conserved and there is a small physicochemical difference between glutamine and arginine. This variant is present in population databases (rs201888676, ExAC 0.006%). This variant has not been reported in the literature in individuals affected with ELP1-related conditions. ClinVar contains an entry for this variant (Variation ID: 364553). Algorithms developed to predict the effect of missense changes on protein structure and function (SIFT, PolyPhen-2, Align-GVGD) all suggest that this variant is likely to be tolerated. In summary, the available evidence is currently insufficient to determine the role of this variant in disease. Therefore, it has been classified as a Variant of Uncertain Significance.

Illumina Laboratory Services, Illumina
Classification: Uncertain significance for Familial dysautonomia. Last evaluated: 2018-01-13. Review status: criteria provided, single submitter. Criteria: ICSL Variant Classification Criteria 13 December 2019. Collection method: clinical testing. Allele origin: germline.